The following is an entry in ClinVar:

NM_025193.4(HSD3B7):c.439G>A (p.Glu147Lys)

Gene: HSD3B7 (hydroxy-delta-5-steroid dehydrogenase, 3 beta- and steroid delta-isomerase 7; plus strand). Cytogenetic location: 16p11.2.
Variant type: single nucleotide variant.
Coding change: c.439G>A on transcript NM_025193.4 (MANE Select); coding-DNA position 439, G replaced by A.
Protein change: p.Glu147Lys; replaces glutamic acid 147 with lysine.
Molecular consequence: missense variant.
Genome position (GRCh38, 1-based): chr16:30,986,612, G>A. VCF-style: chr16-30986612-G-A. GRCh37 (hg19) VCF-style: chr16-30997933-G-A.
Other names: c.439G>A (NM_025193.3); c.439G>A, p.Glu147Lys (NM_001142777.2, NM_001142778.2); short protein forms E147K.
Identifiers: ClinVar variation 2884 (VCV000002884.9), dbSNP rs104894518, ClinGen allele CA115827.

ClinVar aggregate classification (germline): Pathogenic/Likely pathogenic. Review status: criteria provided, multiple submitters, no conflicts (2 of 4 stars). 4 submissions from 4 submitters: Pathogenic (2); Likely pathogenic (1). 1 of the submissions does not count toward it. Last evaluated 2026-08-19.

Conditions:
Congenital bile acid synthesis defect 1 (CBAS1). Also called: 3-BETA-HYDROXY-DELTA-5-C27-STEROID OXIDOREDUCTASE DEFICIENCY. Identifiers: Orphanet 79301, MedGen C1843116, MONDO:0011906, OMIM 607765.

Allele frequency attached by ClinVar (database versions not stated): gnomAD exomes below 0.00001; gnomAD 0.00001; TOPMed below 0.00001; ExAC 0.00001.
gnomAD v4.1: 3 of 1,613,984 alleles (0.00019%); highest among the groups gnomAD compares: East Asian, 0.0045%; no homozygotes.

Submissions (4):

Molecular Genetics Laboratory, CHU Lille
Classification: Likely pathogenic for Congenital bile acid synthesis defect 1. Last evaluated: 2026-08-19. Review status: criteria provided, single submitter. Criteria: ACMG Guidelines, 2015. Collection method: clinical testing. Allele origin: germline. Affected: yes.
Comment: It was classified as pathogenic given its extremely low frequency in public databases and the evidence provided by submission SCV000023176.2.

Revvity Omics, Revvity
Classification: Pathogenic for Congenital bile acid synthesis defect 1. Last evaluated: 2022-01-05. Review status: criteria provided, single submitter. Criteria: ACMG Guidelines, 2015. Collection method: clinical testing. Allele origin: germline.

Eurofins Ntd Llc (ga)
Classification: Pathogenic. Last evaluated: 2016-08-25. Review status: criteria provided, single submitter. Criteria: EGL Classification Definitions 2015. Collection method: clinical testing. Allele origin: germline. Observed: 1 variant allele, 1 heterozygote.

OMIM
Classification: Pathogenic for BILE ACID SYNTHESIS DEFECT, CONGENITAL, 1. Last evaluated: 2003-04-01. Review status: no assertion criteria provided. Collection method: literature only. Allele origin: germline. Not counted in ClinVar's aggregate classification.

Literature cited by the submitters: PubMed 12679481 (cited by OMIM).